The following is an entry in ClinVar:

NM_052947.4(ALPK2):c.4654T>C (p.Ser1552Pro)

Genes: ALPK2 (alpha kinase 2; minus strand), LOC126862764 (BRD4-independent group 4 enhancer GRCh37_chr18:56202574-56203773; plus strand). Cytogenetic location: 18q21.31.
Variant type: single nucleotide variant.
Coding change: c.4654T>C on transcript NM_052947.4 (MANE Select); coding-DNA position 4654, T replaced by C.
Protein change: p.Ser1552Pro; replaces serine 1552 with proline.
Molecular consequence: missense variant.
Genome position (GRCh38, 1-based): chr18:58,535,533, A>G on the plus strand (T>C on the coding strand, the complement: ALPK2 is on the minus strand). VCF-style: chr18-58535533-A-G. GRCh37 (hg19) VCF-style: chr18-56202765-A-G.
Other names: short protein forms S1552P.
Identifiers: ClinVar variation 3530909 (VCV003530909.1).

ClinVar aggregate classification (germline): Uncertain significance (1 of 4 stars; one submission).

Submission:

Ambry Genetics
Classification: Uncertain significance. Last evaluated: 2024-07-27. Review status: criteria provided, single submitter. Criteria: Ambry Variant Classification Scheme 2023. Collection method: clinical testing. Allele origin: germline.
Comment: The p.S1552P variant (also known as c.4654T>C), located in coding exon 4 of the ALPK2 gene, results from a T to C substitution at nucleotide position 4654. The serine at codon 1552 is replaced by proline, an amino acid with similar properties. This amino acid position is conserved. In addition, this alteration is predicted to be tolerated by in silico analysis. Based on the available evidence, the clinical significance of this variant remains unclear.